The following is an entry in ClinVar:

ClinVar aggregate classification (germline): Uncertain significance. Review status: criteria provided, multiple submitters, no conflicts (2 of 4 stars). 4 submissions from 4 submitters: Uncertain significance (3). 1 of the submissions does not count toward it. Last evaluated 2025-08-23.

Conditions:
Bardet-Biedl syndrome 15 (BBS15). Identifiers: Orphanet 110, MedGen C3150127, MONDO:0014443, OMIM 615992.
Heart defect - tongue hamartoma - polysyndactyly syndrome. Also called: Congenital heart defects, hamartomas of tongue, and polysyndactyly. Identifiers: Orphanet 1338, MedGen C1857587, MONDO:0009008, OMIM 217085.
WDPCP-related disorder. Also called: WDPCP-related condition.
Inborn genetic diseases. Identifiers: MedGen C0950123, MeSH D030342.
Bardet-Biedl syndrome (BBS). Identifiers: Orphanet 110, MedGen C0752166, MONDO:0015229.

Allele frequency attached by ClinVar (database versions not stated): ExAC 0.00001; gnomAD 0.00001; gnomAD exomes 0.00002 and 0.00008; TOPMed 0.00002.
gnomAD v4.1: 122 of 1,612,808 alleles (0.0076%); highest among the groups gnomAD compares: Non-Finnish European, 0.01%; no homozygotes.

Submissions (4):

Ambry Genetics
Classification: Uncertain significance for Inborn genetic diseases. Last evaluated: 2025-08-23. Review status: criteria provided, single submitter. Criteria: Ambry Variant Classification Scheme 2023. Collection method: clinical testing. Allele origin: germline.

Labcorp Genetics (formerly Invitae), Labcorp
Classification: Uncertain significance for Bardet-Biedl syndrome. Last evaluated: 2022-10-13. Review status: criteria provided, single submitter. Criteria: Invitae Variant Classification Sherloc (09022015). Collection method: clinical testing. Allele origin: germline.
Comment: In summary, the available evidence is currently insufficient to determine the role of this variant in disease. Therefore, it has been classified as a Variant of Uncertain Significance. Advanced modeling of protein sequence and biophysical properties (such as structural, functional, and spatial information, amino acid conservation, physicochemical variation, residue mobility, and thermodynamic stability) performed at Invitae indicates that this missense variant is not expected to disrupt WDPCP protein function. ClinVar contains an entry for this variant (Variation ID: 964102). This variant has not been reported in the literature in individuals affected with WDPCP-related conditions. This variant is present in population databases (rs750245323, gnomAD 0.005%). This sequence change replaces glycine, which is neutral and non-polar, with glutamic acid, which is acidic and polar, at codon 484 of the WDPCP protein (p.Gly484Glu).

Fulgent Genetics
Classification: Uncertain significance for Heart defect - tongue hamartoma - polysyndactyly syndrome; Bardet-Biedl syndrome 15. Last evaluated: 2022-02-07. Review status: criteria provided, single submitter. Criteria: ACMG Guidelines, 2015. Collection method: clinical testing. Allele origin: unknown.

PreventionGenetics, part of Exact Sciences
Classification: Uncertain significance for WDPCP-related condition. Last evaluated: 2024-03-07. Review status: no assertion criteria provided. Collection method: clinical testing. Allele origin: germline. Not counted in ClinVar's aggregate classification.
Comment: The WDPCP c.1451G>A variant is predicted to result in the amino acid substitution p.Gly484Glu. To our knowledge, this variant has not been reported in the literature. This variant is reported in 0.0047% of alleles in individuals of European (Non-Finnish) descent in gnomAD. At this time, the clinical significance of this variant is uncertain due to the absence of conclusive functional and genetic evidence.

NM_015910.7(WDPCP):c.1451G>A (p.Gly484Glu)

Gene: WDPCP (WD repeat containing planar cell polarity effector; minus strand). Cytogenetic location: 2p15.
Variant type: single nucleotide variant.
Coding change: c.1451G>A on transcript NM_015910.7 (MANE Select); coding-DNA position 1451, G replaced by A.
Protein change: p.Gly484Glu; replaces glycine 484 with glutamic acid.
Molecular consequence: missense variant. On other transcripts: non-coding transcript variant (3).
Genome position (GRCh38, 1-based): chr2:63,382,079, C>T on the plus strand (G>A on the coding strand, the complement: WDPCP is on the minus strand). VCF-style: chr2-63382079-C-T. GRCh37 (hg19) VCF-style: chr2-63609214-C-T.
Other names: c.974G>A, p.Gly325Glu (NM_001042692.3); c.1379G>A, p.Gly460Glu (NM_001354044.2); c.1451G>A, p.Gly484Glu (NM_001354045.2); short protein forms G325E, G484E, G460E.
Identifiers: ClinVar variation 964102 (VCV000964102.10), dbSNP rs750245323, ClinGen allele CA1682201.